The following is an entry in ClinVar:

NM_004830.4(MED23):c.96T>C (p.Asp32=)

Gene: MED23 (mediator complex subunit 23; minus strand). Cytogenetic location: 6q23.2.
Variant type: single nucleotide variant.
Coding change: c.96T>C on transcript NM_004830.4 (MANE Select); coding-DNA position 96, T replaced by C.
Protein change: p.Asp32=; no amino-acid change (aspartic acid 32 retained).
Molecular consequence: synonymous variant.
Genome position (GRCh38, 1-based): chr6:131,627,459, A>G on the plus strand (T>C on the coding strand, the complement: MED23 is on the minus strand). VCF-style: chr6-131627459-A-G. GRCh37 (hg19) VCF-style: chr6-131948599-A-G.
Other names: c.96T>C, p.Asp32= (NM_001270521.2, NM_001270522.2, NM_001376517.1 and 7 more transcripts); c.24T>C, p.Asp8= (NM_001376518.1); c.96T>C (NM_015979.3).
Identifiers: ClinVar variation 1767914 (VCV001767914.4), dbSNP rs146536905, ClinGen allele CA4000358.

ClinVar aggregate classification (germline): Likely benign. Review status: criteria provided, single submitter (1 of 4 stars). 2 submissions from 2 submitters: Likely benign (1). 1 of the submissions does not count toward it. Last evaluated 2019-03-02.

Conditions:
MED23-related disorder. Also called: MED23-related condition.
Inborn genetic diseases. Identifiers: MedGen C0950123, MeSH D030342.

Allele frequency attached by ClinVar (database versions not stated): ExAC 0.00007; gnomAD 0.00020; TOPMed 0.00027; ESP Exome Variant Server 0.00038; 1000 Genomes Project 0.00040; 1000 Genomes Project 30x 0.00062.
gnomAD v4.1: 77 of 1,613,828 alleles (0.0048%); highest among the groups gnomAD compares: African/African-American, 0.096%; no homozygotes.

Submissions (2):

Ambry Genetics
Classification: Likely benign for Inborn genetic diseases. Last evaluated: 2019-03-02. Review status: criteria provided, single submitter. Criteria: Ambry Variant Classification Scheme 2023. Collection method: clinical testing. Allele origin: germline.

PreventionGenetics, part of Exact Sciences
Classification: Likely benign for MED23-related condition. Last evaluated: 2019-06-12. Review status: no assertion criteria provided. Collection method: clinical testing. Allele origin: germline. Not counted in ClinVar's aggregate classification.
Comment: This variant is classified as likely benign based on ACMG/AMP sequence variant interpretation guidelines (Richards et al. 2015 PMID: 25741868, with internal and published modifications).